The following is an entry in ClinVar:

ClinVar aggregate classification (germline): Conflicting classifications of pathogenicity. Review status: criteria provided, conflicting classifications (1 of 4 stars). 2 submissions from 2 submitters: Uncertain significance (1); Likely benign (1). Last evaluated 2024-02-01.

gnomAD v4.1: 2 of 1,610,374 alleles (0.00012%); highest among the groups gnomAD compares: Non-Finnish European, 0.00017%; no homozygotes.

Submissions (2):

CeGaT Center for Human Genetics Tuebingen
Classification: Uncertain significance. Last evaluated: 2024-02-01. Review status: criteria provided, single submitter. Criteria: CeGaT Center For Human Genetics Tuebingen Variant Classification Criteria Version 2. Collection method: clinical testing. Allele origin: germline. Affected: yes. Observed: 1 variant allele.
Comment: NR2E3: PM2:Supporting, BP4

Labcorp Genetics (formerly Invitae), Labcorp
Classification: Likely benign. Last evaluated: 2023-11-27. Review status: criteria provided, single submitter. Criteria: Invitae Variant Classification Sherloc (09022015). Collection method: clinical testing. Allele origin: germline.

NM_014249.4(NR2E3):c.1182C>T (p.Thr394=)

Gene: NR2E3 (nuclear receptor subfamily 2 group E member 3; plus strand). Cytogenetic location: 15q23.
Variant type: single nucleotide variant.
Coding change: c.1182C>T on transcript NM_014249.4 (MANE Select); coding-DNA position 1182, C replaced by T.
Protein change: p.Thr394=; no amino-acid change (threonine 394 retained).
Molecular consequence: synonymous variant.
Genome position (GRCh38, 1-based): chr15:71,817,633, C>T. VCF-style: chr15-71817633-C-T. GRCh37 (hg19) VCF-style: chr15-72109974-C-T.
Identifiers: ClinVar variation 1574902 (VCV001574902.30), dbSNP rs2140294988, ClinGen allele CA2573151097.
Genomic context (GRCh38, chr15:71,817,633, plus strand): 5'-CCTCCCGTCTTTGAGGTTTATCACTGCGGAACGCATCGAGCTCCTCTTTTTCCGCAAGAC[C>T]ATAGGGAATACTCCAATGGAGAAGCTCCTTTGTGATATGTTCAAAAACTAGTGGGGGTGG-3'
Protein context (NP_055064.1, residues 384-404): ERIELLFFRK[Thr394=]IGNTPMEKLL